The following is an entry in ClinVar:

ClinVar aggregate classification (germline): Uncertain significance (1 of 4 stars; one submission).

Submission:

GeneDx
Classification: Uncertain significance. Last evaluated: 2022-09-15. Review status: criteria provided, single submitter. Criteria: GeneDx Variant Classification Process June 2021. Collection method: clinical testing. Allele origin: germline. Affected: yes.
Comment: Not observed at significant frequency in large population cohorts (gnomAD); In silico analysis supports that this missense variant has a deleterious effect on protein structure/function; Has not been previously published as pathogenic or benign to our knowledge

NM_014669.5(NUP93):c.2150T>C (p.Leu717Ser)

Gene: NUP93 (nucleoporin 93; plus strand). Cytogenetic location: 16q13.
Variant type: single nucleotide variant.
Coding change: c.2150T>C on transcript NM_014669.5 (MANE Select); coding-DNA position 2150, T replaced by C.
Protein change: p.Leu717Ser; replaces leucine 717 with serine.
Molecular consequence: missense variant.
Genome position (GRCh38, 1-based): chr16:56,839,534, T>C. VCF-style: chr16-56839534-T-C. GRCh37 (hg19) VCF-style: chr16-56873446-T-C.
Other names: c.1781T>C, p.Leu594Ser (NM_001242795.2, NM_001242796.2); short protein forms L594S, L717S.
Identifiers: ClinVar variation 2444723 (VCV002444723.1), dbSNP rs2543431021, ClinGen allele CA395994545.